The following is an entry in ClinVar:

ClinVar aggregate classification (germline): Conflicting classifications of pathogenicity. Review status: criteria provided, conflicting classifications (1 of 4 stars). 9 submissions from 9 submitters: Pathogenic (5); Likely pathogenic (3); Uncertain significance (1). Last evaluated 2025-05-28.

Conditions:
Niemann-Pick disease, type A. Also called: SPHINGOMYELIN LIPIDOSIS; SPHINGOMYELINASE DEFICIENCY; Infantile Neurovisceral ASMD (Niemann-Pick Disease Type A; NPD-A). Identifiers: Orphanet 77292, MedGen C0268242, MONDO:0009756, OMIM 257200. Disease mechanism: loss of function.
Niemann-Pick disease, type B. Also called: Chronic Visceral ASMD (Niemann-Pick Disease Type B; NPD-B). Identifiers: Orphanet 77293, MedGen C0268243, MONDO:0011871, OMIM 607616. Disease mechanism: loss of function.
Sphingomyelin/cholesterol lipidosis. Also called: Niemann-Pick disease. Identifiers: MedGen C0028064, MONDO:0001982.

Allele frequency attached by ClinVar (database versions not stated): gnomAD exomes below 0.00001; TOPMed 0.00001; gnomAD 0.00002; ESP Exome Variant Server 0.00008.
gnomAD v4.1: 5 of 1,613,782 alleles (0.00031%); highest among the groups gnomAD compares: African/African-American, 0.004%; no homozygotes.

Submissions (9):

Foundation for Research in Genetics and Endocrinology, FRIGE's Institute of Human Genetics
Classification: Pathogenic for Niemann-Pick disease, type A. Last evaluated: 2025-05-28. Review status: criteria provided, single submitter. Criteria: ACMG Guidelines, 2015. Collection method: clinical testing. Allele origin: germline. Inheritance: Autosomal recessive inheritance. Affected: yes. Observed: 1 homozygote.
Comment: A homozygous missense variant in exon 3 of the SMPD1 gene that results in the amino acid substitution of Cystine for Tyrosine at codon 369 was detected. The observed variant c.1106A>G has not been reported in the 1000 genomes and gnomAD databases. The in-silico prediction of the variant is deleterious by MutationTaster2, DANN, SIFT and PolyPhen2. In summary, the variant meets our criteria to be classified as pathogenic.

GeneDx
Classification: Likely pathogenic. Last evaluated: 2024-05-01. Review status: criteria provided, single submitter. Criteria: GeneDx Variant Classification Process June 2021. Collection method: clinical testing. Allele origin: germline. Affected: yes.
Comment: Published functional studies in COS-7 cells show severely reduced enzyme activity (PMID: 19405096); Not observed at significant frequency in large population cohorts (gnomAD); In silico analysis supports that this missense variant has a deleterious effect on protein structure/function; This variant is associated with the following publications: (PMID: 33675270, 28801223, 31576605, 19405096, 34273913, 26499107, 27338287)

Natera, Inc.
Classification: Pathogenic for Niemann-Pick Disease, Types A/B. Last evaluated: 2024-03-26. Review status: criteria provided, single submitter. Criteria: Natera Variant Classification Schema (03/2026). Collection method: clinical testing. Allele origin: germline.
Comment: The c.1106A>G variant in SMPD1 is a missense variant predicted to cause substitution of tyrosine to cysteine at amino acid 369. This variant is rare in the general population with a frequency below the threshold expected for the associated phenotype(s). This variant has been observed in one or more individuals affected with the associated recessive disease, as either homozygous or compound heterozygous with a second variant (PMID: 34273913, 19405096, 28801223, 31576605). Additionally, this variant has been observed to segregate in affected family members (PMID: 28801223). Functional studies show that this variant may disrupt protein function (PMID: 19405096). Computational prediction algorithms indicate this variant is likely to affect gene or protein function. Given the available evidence, this variant is classified as Pathogenic.

Women's Health and Genetics/Laboratory Corporation of America, LabCorp
Classification: Pathogenic for Sphingomyelin/cholesterol lipidosis. Last evaluated: 2023-08-10. Review status: criteria provided, single submitter. Criteria: LabCorp Variant Classification Summary - May 2015. Collection method: clinical testing. Allele origin: germline.
Comment: Variant summary: SMPD1 c.1106A>G (p.Tyr369Cys) results in a non-conservative amino acid change located in the Calcineurin-like phosphoesterase domain, ApaH type (IPR004843) of the encoded protein sequence. Five of five in-silico tools predict a damaging effect of the variant on protein function. The variant was absent in 249020 control chromosomes. c.1106A>G has been reported in the literature in multiple individuals affected with Niemann-Pick Disease, including being at a homozygous state or being seen with a second pathogenic variant (example: Rodriguez-Pascau_2009, Mercati_2017, Ranganath_2016, Hu_2021). These data indicate that the variant is very likely to be associated with disease. At least one publication reports experimental evidence evaluating an impact on protein function. The most pronounced variant effect results in <5% of normal activity (Rodriguez-Pascau_2009). The following publications have been ascertained in the context of this evaluation (PMID: 33675270, 28801223, 27338287, 19405096). Four submitters have cited clinical-significance assessments for this variant to ClinVar after 2014 (Pathogenic n=2, Likely pathogenic n=1, VUS n=1). Based on the evidence outlined above, the variant was classified as pathogenic.

Labcorp Genetics (formerly Invitae), Labcorp
Classification: Pathogenic for Niemann-Pick disease, type B; Niemann-Pick disease, type A. Last evaluated: 2023-04-22. Review status: criteria provided, single submitter. Criteria: Invitae Variant Classification Sherloc (09022015). Collection method: clinical testing. Allele origin: germline.
Comment: This variant is not present in population databases (gnomAD no frequency). For these reasons, this variant has been classified as Pathogenic. Experimental studies have shown that this missense change affects SMPD1 function (PMID: 19405096). Advanced modeling of protein sequence and biophysical properties (such as structural, functional, and spatial information, amino acid conservation, physicochemical variation, residue mobility, and thermodynamic stability) performed at Invitae indicates that this missense variant is expected to disrupt SMPD1 protein function. ClinVar contains an entry for this variant (Variation ID: 288073). This variant is also known as c.1100A>G, p.Y367C. This missense change has been observed in individual(s) with intermediate type Niemann-Pick disease (PMID: 19405096, 27338287, 28801223). It has also been observed to segregate with disease in related individuals. This sequence change replaces tyrosine, which is neutral and polar, with cysteine, which is neutral and slightly polar, at codon 369 of the SMPD1 protein (p.Tyr369Cys).

Diagnostics Division, CENTRE FOR DNA FINGERPRINTING AND DIAGNOSTICS
Classification: Likely pathogenic for Niemann-Pick disease, type A. Last evaluated: 2021-04-25. Review status: criteria provided, single submitter. Criteria: ACMG Guidelines, 2015. Collection method: research. Allele origin: germline. Affected: yes. Observed: 1 variant allele.

Broad Center for Mendelian Genomics, Broad Institute of MIT and Harvard
Classification: Pathogenic for Sphingomyelin/cholesterol lipidosis. Last evaluated: 2020-01-22. Review status: criteria provided, single submitter. Criteria: ACMG Guidelines, 2015. Collection method: curation. Allele origin: germline. Inheritance: Autosomal recessive inheritance.
Comment: The p.Tyr369Cys variant in SMPD1 (also known as p.Tyr367Cys due to a difference in cDNA numbering) has been reported in 3 individuals with Niemann-Pick disease, segregated with disease in 2 affected relatives from 1 family (PMID: 19405096, 28801223), and was absent from large population studies. This variant has also been reported in ClinVar (VariationID: 288073) as a VUS by EGL Genetic Diagnostics. In vitro functional studies provide some evidence that the p.Tyr369Cys variant may impact protein function (PMID: 19405096). However, these types of assays may not accurately represent biological function. Computational prediction tools and conservation analyses suggest that this variant may impact the protein, though this information is not predictive enough to determine pathogenicity. The presence of this variant in 2 affected homozygotes and in combination with a reported pathogenic variant in an individual with Niemann-Pick disease increases the likelihood that the p.Tyr369Cys variant is pathogenic (VariationID: 100731; PMID: 19405096, 28801223). The phenotype of an individual homozygous for this variant is highly specific for Niemann-Pick disease based on acid sphingomyelinase activity being <10% of normal, consistent with disease (PMID: 28801223). In summary, this variant meets criteria to be classified as pathogenic for Niemann-Pick disease in an autosomal recessive manner based on in vitro functional studies, the presence of the variant in homozygotes and in combination with other pathogenic variants, and the phenotype of an individual with the variant being highly specific for disease. ACMG/AMP Criteria applied: PS3, PM2, PM3, PP3, PP4 (Richards 2015).

Eurofins Ntd Llc (ga)
Classification: Uncertain significance. Last evaluated: 2016-05-24. Review status: criteria provided, single submitter. Criteria: EGL Classification Definitions 2015. Collection method: clinical testing. Allele origin: germline. Observed: 2 variant alleles, 2 heterozygotes.

Baylor Genetics
Classification: Likely pathogenic for Niemann-Pick disease, type A. Review status: criteria provided, single submitter. Criteria: ACMG Guidelines, 2015. Collection method: clinical testing. Allele origin: germline.

Literature cited by the submitters: PubMed 34273913 (cited by Natera, Inc.); PubMed 19405096 (cited by 5 submitters); PubMed 28801223 (cited by 4 submitters); PubMed 31576605 (cited by Natera, Inc.); PubMed 27338287 (cited by Women's Health and Genetics/Laboratory Corporation of America, LabCorp and Labcorp Genetics (formerly Invitae), Labcorp); PubMed 33675270 (cited by Women's Health and Genetics/Laboratory Corporation of America, LabCorp).

NM_000543.5(SMPD1):c.1106A>G (p.Tyr369Cys)

Gene: SMPD1 (sphingomyelin phosphodiesterase 1; plus strand). Cytogenetic location: 11p15.4.
Variant type: single nucleotide variant.
Coding change: c.1106A>G on transcript NM_000543.5 (MANE Select); coding-DNA position 1106, A replaced by G.
Protein change: p.Tyr369Cys; replaces tyrosine 369 with cysteine.
Molecular consequence: missense variant. On other transcripts: non-coding transcript variant (1), intron variant (1).
Genome position (GRCh38, 1-based): chr11:6,393,230, A>G. VCF-style: chr11-6393230-A-G. GRCh37 (hg19) VCF-style: chr11-6414460-A-G.
Other names: c.1103A>G, p.Tyr368Cys (NM_001007593.3); c.1106A>G, p.Tyr369Cys (NM_001318087.2); c.185A>G, p.Tyr62Cys (NM_001318088.2); c.1132-387A>G (NM_001365135.2); short protein forms Y369C, Y368C, Y62C.
Identifiers: ClinVar variation 288073 (VCV000288073.22), dbSNP rs372287825, ClinGen allele CA10605962.